The following is an entry in ClinVar:

ClinVar aggregate classification (germline): Uncertain significance. Review status: criteria provided, multiple submitters, no conflicts (2 of 4 stars). 2 submissions from 2 submitters: Uncertain significance (2). Last evaluated 2024-02-29.

Conditions:
Charcot-Marie-Tooth disease type 2E (CMT2E). Also called: CHARCOT-MARIE-TOOTH DISEASE, AXONAL, TYPE 2E; CHARCOT-MARIE-TOOTH NEUROPATHY, TYPE 2E. Identifiers: Orphanet 99939, MedGen C1843225, MONDO:0011894, OMIM 607684.

Allele frequency attached by ClinVar (database versions not stated): TOPMed 0.00001; gnomAD exomes 0.00003; gnomAD 0.00001.
gnomAD v4.1: 50 of 1,610,582 alleles (0.0031%); highest among the groups gnomAD compares: Non-Finnish European, 0.0041%; no homozygotes.

Submissions (2):

Labcorp Genetics (formerly Invitae), Labcorp
Classification: Uncertain significance for Charcot-Marie-Tooth disease type 2E. Last evaluated: 2024-02-29. Review status: criteria provided, single submitter. Criteria: Invitae Variant Classification Sherloc (09022015). Collection method: clinical testing. Allele origin: germline.
Comment: This sequence change replaces leucine, which is neutral and non-polar, with valine, which is neutral and non-polar, at codon 68 of the NEFL protein (p.Leu68Val). This variant is present in population databases (no rsID available, gnomAD 0.007%). This variant has not been reported in the literature in individuals affected with NEFL-related conditions. ClinVar contains an entry for this variant (Variation ID: 586176). Advanced modeling of protein sequence and biophysical properties (such as structural, functional, and spatial information, amino acid conservation, physicochemical variation, residue mobility, and thermodynamic stability) performed at Invitae indicates that this missense variant is not expected to disrupt NEFL protein function with a negative predictive value of 80%. In summary, the available evidence is currently insufficient to determine the role of this variant in disease. Therefore, it has been classified as a Variant of Uncertain Significance.

Athena Diagnostics
Classification: Uncertain significance. Last evaluated: 2018-03-26. Review status: criteria provided, single submitter. Criteria: Athena Diagnostics Criteria. Collection method: clinical testing. Allele origin: germline.

NM_006158.5(NEFL):c.202C>G (p.Leu68Val)

Gene: NEFL (neurofilament light chain; minus strand). Cytogenetic location: 8p21.2.
Variant type: single nucleotide variant.
Coding change: c.202C>G on transcript NM_006158.5 (MANE Select); coding-DNA position 202, C replaced by G.
Protein change: p.Leu68Val; replaces leucine 68 with valine.
Molecular consequence: missense variant.
Genome position (GRCh38, 1-based): chr8:24,956,314, G>C on the plus strand (C>G on the coding strand, the complement: NEFL is on the minus strand). VCF-style: chr8-24956314-G-C. GRCh37 (hg19) VCF-style: chr8-24813828-G-C.
Other names: short protein forms L68V.
Identifiers: ClinVar variation 586176 (VCV000586176.3), dbSNP rs1328701916, ClinGen allele CA370623203.